The following is an entry in ClinVar:

ClinVar aggregate classification (germline): Benign/Likely benign. Review status: criteria provided, multiple submitters, no conflicts (2 of 4 stars). 3 submissions from 3 submitters: Benign (1); Likely benign (2). Last evaluated 2025-12-14.

Conditions:
Citrin deficiency. Identifiers: Orphanet 247582, MedGen C1997910, MONDO:0016602.

Allele frequency attached by ClinVar (database versions not stated): gnomAD exomes 0.00005; gnomAD 0.00008; TOPMed 0.00012; 1000 Genomes Project 30x 0.00047; 1000 Genomes Project 0.00060.
gnomAD v4.1: 96 of 1,613,976 alleles (0.0059%); highest among the groups gnomAD compares: East Asian, 0.2%; 1 homozygote.

Submissions (5):

Labcorp Genetics (formerly Invitae), Labcorp
Classification: Benign for Citrin deficiency. Last evaluated: 2025-12-14. Review status: criteria provided, single submitter. Criteria: Invitae Variant Classification Sherloc (09022015). Collection method: clinical testing. Allele origin: germline.

Blueprint Genetics
Classification: Likely benign. Last evaluated: 2024-11-25. Review status: criteria provided, single submitter. Criteria: ACMG Guidelines, 2015. Collection method: clinical testing. Allele origin: germline.

GeneDx
Classification: Likely benign. Last evaluated: 2016-04-01. Review status: criteria provided, single submitter. Criteria: GeneDx Variant Classification (06012015). Collection method: clinical testing. Allele origin: germline. Affected: yes.
Comment: This variant is considered likely benign or benign based on one or more of the following criteria: it is a conservative change, it occurs at a poorly conserved position in the protein, it is predicted to be benign by multiple in silico algorithms, and/or has population frequency not consistent with disease.

Dr. Peter K. Rogan Lab, Western University
No classification provided (evidence only). Condition: Gastric cancer. Review status: no classification provided. Collection method: in vitro. Allele origin: not applicable. Functional consequence: retained intron. Not counted in ClinVar's aggregate classification.

Dr. Peter K. Rogan Lab, Western University
No classification provided (evidence only). Condition: Hepatocellular carcinoma. Review status: no classification provided. Collection method: in vitro. Allele origin: not applicable. Functional consequence: retained intron. Not counted in ClinVar's aggregate classification.

NM_014251.3(SLC25A13):c.1842-12C>A

Gene: SLC25A13 (solute carrier family 25 member 13; minus strand). Cytogenetic location: 7q21.3.
Variant type: single nucleotide variant.
Coding change: c.1842-12C>A on transcript NM_014251.3 (MANE Select); 12 bases into the intron before coding-DNA position 1842, C replaced by A.
Molecular consequence: intron variant.
Genome position (GRCh38, 1-based): chr7:96,121,389, G>T on the plus strand (C>A on the coding strand, the complement: SLC25A13 is on the minus strand). VCF-style: chr7-96121389-G-T. GRCh37 (hg19) VCF-style: chr7-95750701-G-T.
Other names: c.1845-12C>A (NM_001160210.2).
Identifiers: ClinVar variation 385040 (VCV000385040.6), dbSNP rs201468457, ClinGen allele CA4352757.
Genomic context (GRCh38, chr7:96,121,389, plus strand): 5'-AGGCAGGTTGATCCTGGATTTAGGAACTGGCTCTGATCCCATGGGTTTTCTAAAAGAAGA[G>T]AAAACAGAGTAAGAAGCTGTATTTTTTGTTTGTTTTAACTTGATAAAAATAACATTCAAA-3'